The following is an entry in ClinVar:

NM_005228.5(EGFR):c.3389G>A (p.Ser1130Asn)

Gene: EGFR (epidermal growth factor receptor; plus strand). Cytogenetic location: 7p11.2.
Variant type: single nucleotide variant.
Coding change: c.3389G>A on transcript NM_005228.5 (MANE Select); coding-DNA position 3389, G replaced by A.
Protein change: p.Ser1130Asn; replaces serine 1130 with asparagine.
Molecular consequence: missense variant.
Genome position (GRCh38, 1-based): chr7:55,205,373, G>A. VCF-style: chr7-55205373-G-A. GRCh37 (hg19) VCF-style: chr7-55273066-G-A.
Other names: c.3254G>A, p.Ser1085Asn (NM_001346899.2); c.3230G>A, p.Ser1077Asn (NM_001346900.2); c.2588G>A, p.Ser863Asn (NM_001346941.2); short protein forms S1077N, S1085N, S1130N, S863N.
Identifiers: ClinVar variation 4760460 (VCV004760460.1).

ClinVar aggregate classification (germline): Uncertain significance (1 of 4 stars; one submission).

Conditions:
EGFR-related lung cancer (EGFR). Identifiers: MedGen CN130014.

Submission:

Labcorp Genetics (formerly Invitae), Labcorp
Classification: Uncertain significance for EGFR-related lung cancer. Last evaluated: 2026-01-11. Review status: criteria provided, single submitter. Criteria: Invitae Variant Classification Sherloc (09022015). Collection method: clinical testing. Allele origin: germline.
Comment: This sequence change replaces serine, which is neutral and polar, with asparagine, which is neutral and polar, at codon 1130 of the EGFR protein (p.Ser1130Asn). This variant is not present in population databases (gnomAD no frequency). This variant has not been reported in the literature in individuals affected with EGFR-related conditions. An algorithm developed to predict the effect of missense changes on protein structure and function (PolyPhen-2) suggests that this variant is likely to be tolerated. In summary, the available evidence is currently insufficient to determine the role of this variant in disease. Therefore, it has been classified as a Variant of Uncertain Significance.